The following is an entry in ClinVar:

NM_002485.5(NBN):c.1508A>G (p.Asn503Ser)

Gene: NBN (nibrin; minus strand). Cytogenetic location: 8q21.3.
Variant type: single nucleotide variant.
Coding change: c.1508A>G on transcript NM_002485.5 (MANE Select); coding-DNA position 1508, A replaced by G.
Protein change: p.Asn503Ser; replaces asparagine 503 with serine.
Molecular consequence: missense variant.
Genome position (GRCh38, 1-based): chr8:89,953,581, T>C on the plus strand (A>G on the coding strand, the complement: NBN is on the minus strand). VCF-style: chr8-89953581-T-C. GRCh37 (hg19) VCF-style: chr8-90965809-T-C.
Other names: c.1262A>G, p.Asn421Ser (NM_001024688.3); short protein forms N421S, N503S.
Identifiers: ClinVar variation 3572216 (VCV003572216.1).

ClinVar aggregate classification (germline): Uncertain significance (1 of 4 stars; one submission).

gnomAD v4.1: 2 of 1,613,692 alleles (0.00012%); highest among the groups gnomAD compares: African/African-American, 0.0027%; no homozygotes.

Submission:

Quest Diagnostics Nichols Institute San Juan Capistrano
Classification: Uncertain significance. Last evaluated: 2024-03-11. Review status: criteria provided, single submitter. Criteria: Quest Diagnostics criteria. Collection method: clinical testing. Allele origin: unknown.
Comment: The NBN c.1508A>G (p.Asn503Ser) variant has not been reported in individuals with NBN-related conditions in the published literature. It also has not been reported in large, multi-ethnic general populations (Genome Aggregation Database). Analysis of this variant using bioinformatics tools for the prediction of the effect of amino acid changes on protein structure and function yielded predictions that this variant is benign. Based on the available information, we are unable to determine the clinical significance of this variant.